The following is an entry in ClinVar:

ClinVar aggregate classification (germline): Pathogenic (1 of 4 stars; one submission).

Submission:

GeneDx
Classification: Pathogenic. Last evaluated: 2014-04-12. Review status: criteria provided, single submitter. Criteria: GeneDx Variant Classification (06012015). Collection method: clinical testing. Allele origin: germline. Affected: yes.
Comment: p.Glu596Gly (GAA>GGA): c.1787 A>G in exon 15 of the KCNQ1 gene (NM_000218.2). While the E596G mutation in the KCNQ1 gene has not been reported to our knowledge, a mutation affecting this same residue, E596K, has been reported in association with LQTS and was absent from greater than 2600 reference alleles (Kapplinger J et al., 2009). Furthermore, E596G was not observed in approximately 6,500 individuals of European and African American ancestry in the NHLBI Exome Sequencing Project, indicating it is not a common benign variant in these populations. Additionally, mutations in nearby residues (R591C, R591H, R591L, R594Q, R594P) have been reported in association with LQTS, further supporting the functional importance of this residue and this region of the protein. E596G results in a non-conservative amino acid substitution, which is likely to impact secondary protein structure as these residues differ in polarity, charge, size and/or other properties. This substitution is highly conserved across species. In silico analysis predicts the E596G is damaging to the protein structure/function. In summary, E596G in the KCNQ1 gene is interpreted as a likely disease-causing mutation. The variant is found in LQT panel(s).

NM_000218.3(KCNQ1):c.1787A>G (p.Glu596Gly)

Gene: KCNQ1 (potassium voltage-gated channel subfamily Q member 1; plus strand). Cytogenetic location: 11p15.5.
Variant type: single nucleotide variant.
Coding change: c.1787A>G on transcript NM_000218.3 (MANE Select); coding-DNA position 1787, A replaced by G.
Protein change: p.Glu596Gly; replaces glutamic acid 596 with glycine.
Molecular consequence: missense variant.
Genome position (GRCh38, 1-based): chr11:2,778,030, A>G. VCF-style: chr11-2778030-A-G. GRCh37 (hg19) VCF-style: chr11-2799260-A-G.
Other names: p.E596G:GAA>GGA; c.1691A>G, p.Glu564Gly (NM_001406836.1); c.1517A>G, p.Glu506Gly (NM_001406837.1); c.1247A>G, p.Glu416Gly (NM_001406838.1); c.299A>G, p.Glu100Gly (NM_001406839.1); c.1406A>G, p.Glu469Gly (NM_181798.2); short protein forms E469G, E596G, E416G, E100G, E506G, E564G.
Identifiers: ClinVar variation 200859 (VCV000200859.4), dbSNP rs794728538, ClinGen allele CA006408.